The following is an entry in ClinVar:

NM_002709.3(PPP1CB):c.184+10T>C

Gene: PPP1CB (protein phosphatase 1 catalytic subunit beta; plus strand). Cytogenetic location: 2p23.2.
Variant type: single nucleotide variant.
Coding change: c.184+10T>C on transcript NM_002709.3 (MANE Select); 10 bases into the intron after coding-DNA position 184, T replaced by C.
Molecular consequence: intron variant.
Genome position (GRCh38, 1-based): chr2:28,776,992, T>C. VCF-style: chr2-28776992-T-C. GRCh37 (hg19) VCF-style: chr2-28999858-T-C.
Other names: c.184+10T>C (NM_206876.2).
Identifiers: ClinVar variation 5006283 (VCV005006283.2).

ClinVar aggregate classification (germline): Uncertain significance (1 of 4 stars; one submission).

Conditions:
Noonan syndrome-like disorder with loose anagen hair 2 (NSLH2). Identifiers: MedGen C4479577, MONDO:0054588, OMIM 617506.

Submission:

Juno Genomics, Hangzhou Juno Genomics, Inc
Classification: Uncertain significance for Noonan syndrome-like disorder with loose anagen hair 2. Review status: criteria provided, single submitter. Criteria: ACMG Guidelines, 2015. Collection method: clinical testing. Allele origin: germline.
Comment: Absent from controls (or at extremely low frequency if recessive) in Genome Aggregation Database.